The following is an entry in ClinVar:

NC_000011.9:g.(?_108114660)_(108236235_?)del

Gene: ATM (ATM serine/threonine kinase; plus strand). Cytogenetic location: 11q22.3.
Variant type: Deletion.
Identifiers: ClinVar variation 1069829 (VCV001069829.6).

ClinVar aggregate classification (germline): Pathogenic (1 of 4 stars; one submission).

Conditions:
Ataxia-telangiectasia syndrome (AT). Also called: LOUIS-BAR SYNDROME; Ataxia-telangiectasia, complementation group D; AT, COMPLEMENTATION GROUP C; Cerebello-oculocutaneous telangiectasia; Immunodeficiency with ataxia telangiectasia; ATAXIA-TELANGIECTASIA, COMPLEMENTATION GROUP A. Identifiers: Orphanet 100, MedGen C0004135, MONDO:0008840, OMIM 208900.

Submission:

Labcorp Genetics (formerly Invitae), Labcorp
Classification: Pathogenic for Ataxia-telangiectasia syndrome. Last evaluated: 2021-09-09. Review status: criteria provided, single submitter. Criteria: Invitae Variant Classification Sherloc (09022015). Collection method: clinical testing. Allele origin: germline.
Comment: This variant is a gross deletion of the genomic region encompassing exon(s) 6-63 of the ATM gene, which includes the termination codon. This deletion extends beyond the assayed region for this gene and therefore may encompass additional genes. While this deletion is not anticipated to lead to nonsense mediated decay, it is expected to alter mRNA translation or result in a truncated protein product. This variant has not been reported in the literature in individuals affected with ATM-related conditions. The region of the ATM gene that includes exon(s) 62-63 has been determined to be clinically significant (PMID: 9443866, 25614872). Therefore, deletions that encompass that region are likely to be disease-causing. For these reasons, this variant has been classified as Pathogenic.

Literature cited by the submitters: PubMed 9443866; PubMed 25614872.